The following is an entry in ClinVar:

ClinVar aggregate classification (germline): Uncertain significance (1 of 4 stars; one submission).

Conditions:
Frontotemporal dementia and/or amyotrophic lateral sclerosis 4. Also called: FTDALS4. Identifiers: Orphanet 275872, MedGen C4225325, MONDO:0014641, OMIM 616439.

Allele frequency attached by ClinVar (database versions not stated): ExAC 0.00001; TOPMed 0.00001.

Submission:

Labcorp Genetics (formerly Invitae), Labcorp
Classification: Uncertain significance for Frontotemporal dementia and/or amyotrophic lateral sclerosis 4. Last evaluated: 2023-07-25. Review status: criteria provided, single submitter. Criteria: Invitae Variant Classification Sherloc (09022015). Collection method: clinical testing. Allele origin: germline.
Comment: The frequency data for this variant in the population databases is considered unreliable, as metrics indicate poor data quality at this position in the gnomAD database. This sequence change replaces threonine, which is neutral and polar, with isoleucine, which is neutral and non-polar, at codon 77 of the TBK1 protein (p.Thr77Ile). ClinVar contains an entry for this variant (Variation ID: 1981613). This variant has not been reported in the literature in individuals affected with TBK1-related conditions. In summary, the available evidence is currently insufficient to determine the role of this variant in disease. Therefore, it has been classified as a Variant of Uncertain Significance. An algorithm developed to predict the effect of missense changes on protein structure and function (PolyPhen-2) suggests that this variant is likely to be tolerated.

NM_013254.4(TBK1):c.230C>T (p.Thr77Ile)

Gene: TBK1 (TANK binding kinase 1; plus strand). Cytogenetic location: 12q14.2.
Variant type: single nucleotide variant.
Coding change: c.230C>T on transcript NM_013254.4 (MANE Select); coding-DNA position 230, C replaced by T.
Protein change: p.Thr77Ile; replaces threonine 77 with isoleucine.
Molecular consequence: missense variant.
Genome position (GRCh38, 1-based): chr12:64,464,335, C>T. VCF-style: chr12-64464335-C-T. GRCh37 (hg19) VCF-style: chr12-64858115-C-T.
Other names: short protein forms T77I.
Identifiers: ClinVar variation 1981613 (VCV001981613.4), dbSNP rs777044074, ClinGen allele CA6668758.